The following is an entry in ClinVar:

ClinVar aggregate classification (germline): Uncertain significance. Review status: criteria provided, multiple submitters, no conflicts (2 of 4 stars). 2 submissions from 2 submitters: Uncertain significance (2). Last evaluated 2025-11-11.

Conditions:
Inborn genetic diseases. Identifiers: MedGen C0950123, MeSH D030342.
Neutral lipid storage myopathy (NLSDM). Also called: NEUTRAL LIPID STORAGE DISEASE WITHOUT ICHTHYOSIS. Identifiers: Orphanet 98908, MedGen C1853136, MONDO:0012545, OMIM 610717.

Allele frequency attached by ClinVar (database versions not stated): gnomAD 0.00001; gnomAD exomes 0.00001.
gnomAD v4.1: 7 of 1,542,288 alleles (0.00045%); highest among the groups gnomAD compares: East Asian, 0.0072%; no homozygotes.

Submissions (2):

Ambry Genetics
Classification: Uncertain significance for Inborn genetic diseases. Last evaluated: 2025-11-11. Review status: criteria provided, single submitter. Criteria: Ambry Variant Classification Scheme 2023. Collection method: clinical testing. Allele origin: germline.

Labcorp Genetics (formerly Invitae), Labcorp
Classification: Uncertain significance for Neutral lipid storage myopathy. Last evaluated: 2021-10-19. Review status: criteria provided, single submitter. Criteria: Invitae Variant Classification Sherloc (09022015). Collection method: clinical testing. Allele origin: germline.
Comment: This sequence change replaces serine with tyrosine at codon 476 of the PNPLA2 protein (p.Ser476Tyr). The serine residue is weakly conserved and there is a large physicochemical difference between serine and tyrosine. The frequency data for this variant in the population databases is considered unreliable, as metrics indicate insufficient coverage at this position in the ExAC database. This variant has not been reported in the literature in individuals affected with PNPLA2-related conditions. Algorithms developed to predict the effect of missense changes on protein structure and function (SIFT, PolyPhen-2, Align-GVGD) all suggest that this variant is likely to be tolerated. In summary, the available evidence is currently insufficient to determine the role of this variant in disease. Therefore, it has been classified as a Variant of Uncertain Significance.

NM_020376.4(PNPLA2):c.1427C>A (p.Ser476Tyr)

Gene: PNPLA2 (patatin like domain 2, triacylglycerol lipase; plus strand). Cytogenetic location: 11p15.5.
Variant type: single nucleotide variant.
Coding change: c.1427C>A on transcript NM_020376.4 (MANE Select); coding-DNA position 1427, C replaced by A.
Protein change: p.Ser476Tyr; replaces serine 476 with tyrosine.
Molecular consequence: missense variant.
Genome position (GRCh38, 1-based): chr11:824,774, C>A. VCF-style: chr11-824774-C-A. GRCh37 (hg19) VCF-style: chr11-824774-C-A.
Other names: c.1427C>A (NM_020376.3); short protein forms S476Y.
Identifiers: ClinVar variation 1379154 (VCV001379154.7), dbSNP rs1205958640, ClinGen allele CA378985602.
Genomic context (GRCh38, chr11:824,774, plus strand): 5'-CCGAAGCTCTGCGCATGCGCGCACCCGCCGACCCGGCTCCCGCCCCCGCGGACCCAGCAT[C>A]CCCGCAGCACCAGCTGGCCGGGCCTGCCCCCTTGCTGAGCACCCCTGCTCCCGAGGCCCG-3'
Protein context (NP_065109.1, residues 466-486): DPAPAPADPA[Ser476Tyr]PQHQLAGPAP